The following is an entry in ClinVar:

ClinVar aggregate classification (germline): Likely benign (1 of 4 stars; one submission).

Allele frequency attached by ClinVar (database versions not stated): 1000 Genomes Project 30x 0.00016; 1000 Genomes Project 0.00020.
gnomAD v4.1: 20 of 152,324 alleles (0.013%); highest among the groups gnomAD compares: East Asian, 0.21%; no homozygotes.

Submission:

CeGaT Center for Human Genetics Tuebingen
Classification: Likely benign. Last evaluated: 2026-01-01. Review status: criteria provided, single submitter. Criteria: CeGaT Center For Human Genetics Tuebingen Variant Classification Criteria Version 2. Collection method: clinical testing. Allele origin: germline. Affected: yes. Observed: 4 variant alleles.
Comment: ERCC2: BP4, BP7

NM_000400.4(ERCC2):c.2191-230C>T

Gene: ERCC2 (ERCC excision repair 2, TFIIH core complex helicase subunit; minus strand). Cytogenetic location: 19q13.32.
Variant type: single nucleotide variant.
Coding change: c.2191-230C>T on transcript NM_000400.4 (MANE Select); 230 bases into the intron before coding-DNA position 2191, C replaced by T.
Molecular consequence: intron variant.
Genome position (GRCh38, 1-based): chr19:45,351,951, G>A on the plus strand (C>T on the coding strand, the complement: ERCC2 is on the minus strand). VCF-style: chr19-45351951-G-A. GRCh37 (hg19) VCF-style: chr19-45855209-G-A.
Identifiers: ClinVar variation 2650101 (VCV002650101.24), dbSNP rs142229130, ClinGen allele CA308948059.